The following is an entry in ClinVar:

ClinVar aggregate classification (germline): Uncertain significance (1 of 4 stars; one submission).

Conditions:
Hereditary cancer-predisposing syndrome. Also called: Tumor predisposition; Hereditary neoplastic syndrome; Neoplastic Syndromes, Hereditary; Hereditary Cancer Syndrome. Identifiers: Orphanet 140162, MedGen C0027672, MeSH D009386, MONDO:0015356.

Submission:

Ambry Genetics
Classification: Uncertain significance for Hereditary cancer-predisposing syndrome. Last evaluated: 2025-05-09. Review status: criteria provided, single submitter. Criteria: Ambry Variant Classification Scheme 2023. Collection method: clinical testing. Allele origin: germline.
Comment: The c.-1delC variant is located in the 5' untranslated region (5'UTR) of the AXIN2 gene. This variant results in the deletion of a single nucleotide 1 base upstream from the first translated codon. This nucleotide position is well conserved in available vertebrate species. Based on the available evidence, the clinical significance of this variant remains unclear.

NM_004655.4(AXIN2):c.-1del

Gene: AXIN2 (axin 2; minus strand). Cytogenetic location: 17q24.1.
Variant type: Deletion.
Coding change: c.-1del on transcript NM_004655.4 (MANE Select); 1 bases upstream of the start codon, one base deleted (C; older notation c.-1delC).
Molecular consequence: 5 prime UTR variant.
Genome position (GRCh38, 1-based): chr17:65,558,621, G deleted on the plus strand (C on the coding strand, the reverse complement: AXIN2 is on the minus strand); the first of 2 consecutive G bases (chr17:65,558,621-65,558,622); deleting either gives the same sequence. VCF-style (leftmost placement, unchanged base first): chr17-65558620-TG-T. GRCh37 (hg19) VCF-style: chr17-63554738-TG-T.
Other names: c.-1delC (NM_004655.3); c.-1del (NM_001363813.1).
Identifiers: ClinVar variation 3980132 (VCV003980132.1).